The following is an entry in ClinVar:

NM_000138.5(FBN1):c.2269del (p.Asp757fs)

Gene: FBN1 (fibrillin 1; minus strand). Cytogenetic location: 15q21.1.
Variant type: Deletion.
Coding change: c.2269del on transcript NM_000138.5 (MANE Select); coding-DNA position 2269, one base deleted (G; older notation c.2269delG).
Protein change: p.Asp757fs; shifts the reading frame from aspartic acid 757.
Molecular consequence: frameshift variant.
Genome position (GRCh38, 1-based): chr15:48,497,290, C deleted on the plus strand (G on the coding strand, the reverse complement: FBN1 is on the minus strand); the first of 2 consecutive C bases (chr15:48,497,290-48,497,291); deleting either gives the same sequence. VCF-style (leftmost placement, unchanged base first): chr15-48497289-TC-T. GRCh37 (hg19) VCF-style: chr15-48789486-TC-T.
Other names: c.2269delG (NM_000138.4); short protein forms D757fs.
Identifiers: ClinVar variation 419089 (VCV000419089.8), dbSNP rs1064793636, ClinGen allele CA16619968.

ClinVar aggregate classification (germline): Pathogenic. Review status: criteria provided, multiple submitters, no conflicts (2 of 4 stars). 3 submissions from 3 submitters: Pathogenic (3). Last evaluated 2019-12-26.

Conditions:
Marfan syndrome (MFS). Also called: MARFAN SYNDROME, TYPE I; FBN1-Related Marfan Syndrome; Marfan syndrome type 1; Marfan's syndrome; Marfan syndrome, classic. Identifiers: Orphanet 284963, Orphanet 558, MedGen C0024796, MONDO:0007947, OMIM 154700.
Familial thoracic aortic aneurysm and aortic dissection (TAAD). Also called: Thoracic aortic aneurysms and dissections. Identifiers: Orphanet 91387, MedGen C4707243, MONDO:0019625.

Submissions (3):

Clinical Molecular Genetics Laboratory, Johns Hopkins All Children's Hospital
Classification: Pathogenic for Marfan syndrome. Last evaluated: 2019-12-26. Review status: criteria provided, single submitter. Criteria: ACMG Guidelines, 2015. Collection method: clinical testing. Allele origin: germline. Inheritance: Autosomal dominant inheritance. Observed: 1 heterozygote.

Labcorp Genetics (formerly Invitae), Labcorp
Classification: Pathogenic for Marfan syndrome; Familial thoracic aortic aneurysm and aortic dissection. Last evaluated: 2017-10-24. Review status: criteria provided, single submitter. Criteria: Invitae Variant Classification Sherloc (09022015). Collection method: clinical testing. Allele origin: germline.
Comment: This sequence change creates a premature translational stop signal (p.Asp757Ilefs*15) in the FBN1 gene. It is expected to result in an absent or disrupted protein product. This variant is not present in population databases (ExAC no frequency). This variant has not been reported in the literature in individuals with FBN1-related disease. ClinVar contains an entry for this variant (Variation ID: 419089). Loss-of-function variants in FBN1 are known to be pathogenic (PMID: 17657824, 19293843). For these reasons, this variant has been classified as Pathogenic.

GeneDx
Classification: Pathogenic. Last evaluated: 2015-05-21. Review status: criteria provided, single submitter. Criteria: GeneDx Variant Classification (06012015). Collection method: clinical testing. Allele origin: germline. Affected: yes.
Comment: Although the c.2269delG variant in the FBN1 gene has not been reported to our knowledge, this deletion isexpected to result in either an abnormal, truncated protein product or loss of protein from this allele throughnonsense-mediated mRNA decay. Other frameshift variants in the FBN1 gene have been reported in HGMDin association with Marfan syndrome (Stenson P et al., 2014). In summary, c.2269delG in the FBN1 gene is interpreted as a pathogenic variant.

Literature cited by the submitters: PubMed 17657824 (cited by Labcorp Genetics (formerly Invitae), Labcorp); PubMed 19293843 (cited by Labcorp Genetics (formerly Invitae), Labcorp).